The following is an entry in ClinVar:

NM_001378454.1(ALMS1):c.5059_5061delinsAAG (p.Glu1687Lys)

Gene: ALMS1 (ALMS1 centrosome and basal body associated protein; plus strand). Cytogenetic location: 2p13.1.
Variant type: Indel.
Coding change: c.5059_5061delinsAAG on transcript NM_001378454.1 (MANE Select); coding-DNA positions 5059 to 5061, GAA replaced by AAG.
Protein change: p.Glu1687Lys; replaces glutamic acid 1687 with lysine.
Molecular consequence: missense variant.
Genome position (GRCh38, 1-based): chr2:73,451,586-73,451,588, GAA replaced by AAG. VCF-style: chr2-73451586-GAA-AAG. GRCh37 (hg19) VCF-style: chr2-73678713-GAA-AAG.
Other names: c.5062_5064delinsAAG, p.Glu1688Lys (NM_015120.4); short protein forms E1687K, E1688K.
Identifiers: ClinVar variation 1303616 (VCV001303616.2), dbSNP rs2103784975, ClinGen allele CA2573052020.
Genomic context (GRCh38, chr2:73,451,586, plus strand): 5'-AATAGGGGGAAGCCTGTCATTTTCTACCAGCAGACCCTATCAGACAGTCATTTACCTGAA[GAA>AAG]GCTCTGAAAGTTCCACCTGTTCCTGGACCAGATGCCCAGAAGACTGAGACACCATCAGTA-3'
Protein context (NP_001365383.1, residues 1677-1697): QTLSDSHLPE[Glu1687Lys]ALKVPPVPGP

ClinVar aggregate classification (germline): Uncertain significance (1 of 4 stars; one submission).

Submission:

GeneDx
Classification: Uncertain significance. Last evaluated: 2021-01-08. Review status: criteria provided, single submitter. Criteria: GeneDx Variant Classification Process June 2021. Collection method: clinical testing. Allele origin: germline. Affected: yes.
Comment: Not observed in large population cohorts (Lek et al., 2016); In silico analysis supports that this variant does not alter protein structure/function; Has not been previously published as pathogenic or benign to our knowledge